The following is an entry in ClinVar:

ClinVar aggregate classification (germline): Uncertain significance (1 of 4 stars; one submission).

Conditions:
Hypertrophic cardiomyopathy. Also called: HYPERTROPHIC MYOCARDIOPATHY. Identifiers: Orphanet 217569, MedGen C0007194, MeSH D002312, MONDO:0005045, HP:0001639.

Submission:

Labcorp Genetics (formerly Invitae), Labcorp
Classification: Uncertain significance for Hypertrophic cardiomyopathy. Last evaluated: 2024-01-20. Review status: criteria provided, single submitter. Criteria: Invitae Variant Classification Sherloc (09022015). Collection method: clinical testing. Allele origin: germline.
Comment: This sequence change replaces histidine, which is basic and polar, with leucine, which is neutral and non-polar, at codon 1419 of the MYH7 protein (p.His1419Leu). This variant is not present in population databases (gnomAD no frequency). This variant has not been reported in the literature in individuals affected with MYH7-related conditions. Advanced modeling of protein sequence and biophysical properties (such as structural, functional, and spatial information, amino acid conservation, physicochemical variation, residue mobility, and thermodynamic stability) has been performed at Invitae for this missense variant, however the output from this modeling did not meet the statistical confidence thresholds required to predict the impact of this variant on MYH7 protein function. In summary, the available evidence is currently insufficient to determine the role of this variant in disease. Therefore, it has been classified as a Variant of Uncertain Significance.

NM_000257.4(MYH7):c.4256A>T (p.His1419Leu)

Gene: MYH7 (myosin heavy chain 7; minus strand). Cytogenetic location: 14q11.2.
Variant type: single nucleotide variant.
Coding change: c.4256A>T on transcript NM_000257.4 (MANE Select); coding-DNA position 4256, A replaced by T.
Protein change: p.His1419Leu; replaces histidine 1419 with leucine.
Molecular consequence: missense variant.
Genome position (GRCh38, 1-based): chr14:23,417,600, T>A on the plus strand (A>T on the coding strand, the complement: MYH7 is on the minus strand). VCF-style: chr14-23417600-T-A. GRCh37 (hg19) VCF-style: chr14-23886809-T-A.
Other names: c.4256A>T, p.His1419Leu (NM_001407004.1); short protein forms H1419L.
Identifiers: ClinVar variation 2986759 (VCV002986759.3), dbSNP rs397516206, ClinGen allele CA389040328.